The following is an entry in ClinVar:

ClinVar aggregate classification (germline): Conflicting classifications of pathogenicity. Review status: criteria provided, conflicting classifications (1 of 4 stars). 2 submissions from 2 submitters: Uncertain significance (1); Likely benign (1). Last evaluated 2025-04-03.

Conditions:
Inborn genetic diseases. Identifiers: MedGen C0950123, MeSH D030342.

gnomAD v4.1: 8 of 1,613,906 alleles (0.0005%); highest among the groups gnomAD compares: South Asian, 0.0055%; no homozygotes.

Submissions (2):

Ambry Genetics
Classification: Likely benign for Inborn genetic diseases. Last evaluated: 2025-04-03. Review status: criteria provided, single submitter. Criteria: Ambry Variant Classification Scheme 2023. Collection method: clinical testing. Allele origin: germline.

GeneDx
Classification: Uncertain significance. Last evaluated: 2024-07-30. Review status: criteria provided, single submitter. Criteria: GeneDx Variant Classification Process June 2021. Collection method: clinical testing. Allele origin: germline. Affected: yes.
Comment: Not observed at significant frequency in large population cohorts (gnomAD); In silico analysis indicates that this missense variant does not alter protein structure/function; Has not been previously published as pathogenic or benign to our knowledge

NM_014915.3(ANKRD26):c.1009A>G (p.Thr337Ala)

Gene: ANKRD26 (ankyrin repeat domain containing 26; minus strand). Cytogenetic location: 10p12.1.
Variant type: single nucleotide variant.
Coding change: c.1009A>G on transcript NM_014915.3 (MANE Select); coding-DNA position 1009, A replaced by G.
Protein change: p.Thr337Ala; replaces threonine 337 with alanine.
Molecular consequence: missense variant.
Genome position (GRCh38, 1-based): chr10:27,077,406, T>C on the plus strand (A>G on the coding strand, the complement: ANKRD26 is on the minus strand). VCF-style: chr10-27077406-T-C. GRCh37 (hg19) VCF-style: chr10-27366335-T-C.
Other names: c.1009A>G, p.Thr337Ala (NM_001256053.2); short protein forms T337A.
Identifiers: ClinVar variation 3602516 (VCV003602516.2).
Genomic context (GRCh38, chr10:27,077,406, plus strand): 5'-GACCAGGGTTTGCTAACGACTTGTGGGAAGGTTTTGGAAGAAGGTCAGGTGATTGATAGG[T>C]AGGATGAGAAAAGCACTGGACTTTGATTGATGTTGTAGGAAGGCTTTCAACCACAACTTC-3'
Protein context (NP_055730.2, residues 327-347): SIKVQCFSHP[Thr337Ala]YQSPDLLPKP